The following is an entry in ClinVar:

NM_005630.3(SLCO2A1):c.126G>A (p.Gln42=)

Gene: SLCO2A1 (solute carrier organic anion transporter family member 2A1; minus strand). Cytogenetic location: 3q22.1.
Variant type: single nucleotide variant.
Coding change: c.126G>A on transcript NM_005630.3 (MANE Select); coding-DNA position 126, G replaced by A.
Protein change: p.Gln42=; no amino-acid change (glutamine 42 retained).
Molecular consequence: synonymous variant.
Genome position (GRCh38, 1-based): chr3:133,979,589, C>T on the plus strand (G>A on the coding strand, the complement: SLCO2A1 is on the minus strand). VCF-style: chr3-133979589-C-T. GRCh37 (hg19) VCF-style: chr3-133698433-C-T.
Identifiers: ClinVar variation 3035504 (VCV003035504.3), dbSNP rs561841509, ClinGen allele CA2626922.
Genomic context (GRCh38, chr3:133,979,589, plus strand): 5'-GCGCTTCTCAATGGTGGTGAGGCTGCTCTTGAAGTAGGCGCTGTACAGGAGTTGGCAGAG[C>T]TGCAGGAGGCCTTGGCAGAGCACAAACACCTGGGGGAAGAGTGATGGGCCCGTGAGGTTT-3'
Protein context (NP_005621.2, residues 32-52): KVFVLCQGLL[Gln42=]LCQLLYSAYF

ClinVar aggregate classification (germline): Likely benign. Review status: criteria provided, single submitter (1 of 4 stars). 2 submissions from 2 submitters: Likely benign (1). 1 of the submissions does not count toward it. Last evaluated 2025-10-05.

Conditions:
SLCO2A1-related disorder. Also called: SLCO2A1-related condition.

gnomAD v4.1: 16 of 1,613,760 alleles (0.00099%); highest among the groups gnomAD compares: East Asian, 0.011%; no homozygotes.

Submissions (2):

Labcorp Genetics (formerly Invitae), Labcorp
Classification: Likely benign. Last evaluated: 2025-10-05. Review status: criteria provided, single submitter. Criteria: Invitae Variant Classification Sherloc (09022015). Collection method: clinical testing. Allele origin: germline.

PreventionGenetics, part of Exact Sciences
Classification: Likely benign for SLCO2A1-related condition. Last evaluated: 2019-08-12. Review status: no assertion criteria provided. Collection method: clinical testing. Allele origin: germline. Not counted in ClinVar's aggregate classification.
Comment: This variant is classified as likely benign based on ACMG/AMP sequence variant interpretation guidelines (Richards et al. 2015 PMID: 25741868, with internal and published modifications).